The following is an entry in ClinVar:

NM_006734.4(HIVEP2):c.944T>G (p.Leu315Trp)

Gene: HIVEP2 (HIVEP zinc finger 2; minus strand). Cytogenetic location: 6q24.2.
Variant type: single nucleotide variant.
Coding change: c.944T>G on transcript NM_006734.4 (MANE Select); coding-DNA position 944, T replaced by G.
Protein change: p.Leu315Trp; replaces leucine 315 with tryptophan.
Molecular consequence: missense variant.
Genome position (GRCh38, 1-based): chr6:142,773,795, A>C on the plus strand (T>G on the coding strand, the complement: HIVEP2 is on the minus strand). VCF-style: chr6-142773795-A-C. GRCh37 (hg19) VCF-style: chr6-143094932-A-C.
Other names: short protein forms L315W.
Identifiers: ClinVar variation 3902932 (VCV003902932.1).

ClinVar aggregate classification (germline): Uncertain significance (1 of 4 stars; one submission).

gnomAD v4.1: 5 of 1,613,876 alleles (0.00031%); highest among the groups gnomAD compares: Non-Finnish European, 0.00042%; no homozygotes.

Submission:

GeneDx
Classification: Uncertain significance. Last evaluated: 2024-12-12. Review status: criteria provided, single submitter. Criteria: GeneDx Variant Classification Process June 2021. Collection method: clinical testing. Allele origin: germline. Affected: yes.
Comment: Not observed at significant frequency in large population cohorts (gnomAD); In silico analysis indicates that this missense variant does not alter protein structure/function; Has not been previously published as pathogenic or benign to our knowledge